The following is an entry in ClinVar:

NM_024570.4(RNASEH2B):c.914A>C (p.Asn305Thr)

Gene: RNASEH2B (ribonuclease H2 subunit B; plus strand). Cytogenetic location: 13q14.3.
Variant type: single nucleotide variant.
Coding change: c.914A>C on transcript NM_024570.4 (MANE Select); coding-DNA position 914, A replaced by C.
Protein change: p.Asn305Thr; replaces asparagine 305 with threonine.
Molecular consequence: missense variant. On other transcripts: intron variant (1).
Genome position (GRCh38, 1-based): chr13:50,956,449, A>C. VCF-style: chr13-50956449-A-C. GRCh37 (hg19) VCF-style: chr13-51530585-A-C.
Other names: c.741+6944A>C (NM_001142279.2); c.914A>C (NM_024570.3); short protein forms N305T.
Identifiers: ClinVar variation 1352587 (VCV001352587.4), dbSNP rs768415436, ClinGen allele CA6985750.

ClinVar aggregate classification (germline): Uncertain significance. Review status: criteria provided, multiple submitters, no conflicts (2 of 4 stars). 2 submissions from 2 submitters: Uncertain significance (2). Last evaluated 2025-03-22.

Conditions:
Aicardi-Goutieres syndrome 2. Identifiers: Orphanet 51, MedGen C3489724, MONDO:0012429, OMIM 610181.
Inborn genetic diseases. Identifiers: MedGen C0950123, MeSH D030342.

Allele frequency attached by ClinVar (database versions not stated): ExAC 0.00001; TOPMed 0.00002; gnomAD exomes below 0.00001; gnomAD 0.00003.
gnomAD v4.1: 29 of 1,596,332 alleles (0.0018%); highest among the groups gnomAD compares: Non-Finnish European, 0.0025%; no homozygotes.

Submissions (2):

Ambry Genetics
Classification: Uncertain significance for Inborn genetic diseases. Last evaluated: 2025-03-22. Review status: criteria provided, single submitter. Criteria: Ambry Variant Classification Scheme 2023. Collection method: clinical testing. Allele origin: germline.

Labcorp Genetics (formerly Invitae), Labcorp
Classification: Uncertain significance for Aicardi-Goutieres syndrome 2. Last evaluated: 2022-08-21. Review status: criteria provided, single submitter. Criteria: Invitae Variant Classification Sherloc (09022015). Collection method: clinical testing. Allele origin: germline.
Comment: This sequence change replaces asparagine, which is neutral and polar, with threonine, which is neutral and polar, at codon 305 of the RNASEH2B protein (p.Asn305Thr). The frequency data for this variant in the population databases is considered unreliable, as metrics indicate poor data quality at this position in the gnomAD database. This variant has not been reported in the literature in individuals affected with RNASEH2B-related conditions. ClinVar contains an entry for this variant (Variation ID: 1352587). Algorithms developed to predict the effect of missense changes on protein structure and function output the following: SIFT: "Tolerated"; PolyPhen-2: "Benign"; Align-GVGD: "Class C0". The threonine amino acid residue is found in multiple mammalian species, which suggests that this missense change does not adversely affect protein function. In summary, the available evidence is currently insufficient to determine the role of this variant in disease. Therefore, it has been classified as a Variant of Uncertain Significance.